The following is an entry in ClinVar:

ClinVar aggregate classification (germline): Uncertain significance (1 of 4 stars; one submission).

Conditions:
Inborn genetic diseases. Identifiers: MedGen C0950123, MeSH D030342.

gnomAD v4.1: 1 of 1,613,862 alleles (0.000062%); highest among the groups gnomAD compares: East Asian, 0.0022%; no homozygotes.

Submission:

Ambry Genetics
Classification: Uncertain significance for Inborn genetic diseases. Last evaluated: 2025-08-25. Review status: criteria provided, single submitter. Criteria: Ambry Variant Classification Scheme 2023. Collection method: clinical testing. Allele origin: germline.
Comment: The p.K1128R variant (also known as c.3383A>G), located in coding exon 1 of the SAMD9L gene, results from an A to G substitution at nucleotide position 3383. The lysine at codon 1128 is replaced by arginine, an amino acid with highly similar properties. This amino acid position is conserved. In addition, this alteration is predicted to be tolerated by in silico analysis. Based on the available evidence, the clinical significance of this variant remains unclear.

NM_152703.5(SAMD9L):c.3383A>G (p.Lys1128Arg)

Gene: SAMD9L (sterile alpha motif domain containing 9 like; minus strand). Cytogenetic location: 7q21.2.
Variant type: single nucleotide variant.
Coding change: c.3383A>G on transcript NM_152703.5 (MANE Select); coding-DNA position 3383, A replaced by G.
Protein change: p.Lys1128Arg; replaces lysine 1128 with arginine.
Molecular consequence: missense variant.
Genome position (GRCh38, 1-based): chr7:93,132,589, T>C on the plus strand (A>G on the coding strand, the complement: SAMD9L is on the minus strand). VCF-style: chr7-93132589-T-C. GRCh37 (hg19) VCF-style: chr7-92761902-T-C.
Other names: c.3383A>G, p.Lys1128Arg (NM_001303496.3, NM_001303497.3, NM_001303498.3 and 5 more transcripts); short protein forms K1128R.
Identifiers: ClinVar variation 4159440 (VCV004159440.1).